The following is an entry in ClinVar:

NM_000271.5(NPC1):c.493del (p.Ala165fs)

Gene: NPC1 (NPC intracellular cholesterol transporter 1; minus strand). Cytogenetic location: 18q11.2.
Variant type: Deletion.
Coding change: c.493del on transcript NM_000271.5 (MANE Select); coding-DNA position 493, one base deleted (G; older notation c.493delG).
Protein change: p.Ala165fs; shifts the reading frame from alanine 165.
Molecular consequence: frameshift variant.
Genome position (GRCh38, 1-based): chr18:23,561,498, C deleted on the plus strand (G on the coding strand, the reverse complement: NPC1 is on the minus strand); the first of 2 consecutive C bases (chr18:23,561,498-23,561,499); deleting either gives the same sequence. VCF-style (leftmost placement, unchanged base first): chr18-23561497-GC-G. GRCh37 (hg19) VCF-style: chr18-21141461-GC-G.
Other names: short protein forms A165fs.
Identifiers: ClinVar variation 5013372 (VCV005013372.1).
Genomic context (GRCh38, chr18:23,561,497, plus strand): 5'-TTACAGGCGTCAGCGTCCTTCCCACACAGGAGTCCCAGGGCCTTGTCATTACTTGAGGGG[GC>G]CTCCACATCCCGGCAGGCATTGTACATTGCTAGAAGAGGAAACCCAAAGGAAAAAGGAGA-3'

ClinVar aggregate classification (germline): Pathogenic (1 of 4 stars; one submission).

Conditions:
Niemann-Pick disease, type C1. Also called: NEUROVISCERAL STORAGE DISEASE WITH VERTICAL SUPRANUCLEAR OPHTHALMOPLEGIA; NIEMANN-PICK DISEASE WITH CHOLESTEROL ESTERIFICATION BLOCK; NIEMANN-PICK DISEASE WITHOUT SPHINGOMYELINASE DEFICIENCY; NIEMANN-PICK DISEASE, CHRONIC NEURONOPATHIC FORM; NIEMANN-PICK DISEASE, VARIANT TYPE C1. Identifiers: Orphanet 646, MedGen C3179455, MONDO:0009757, OMIM 257220.

Submission:

Myriad Genetics, Inc.
Classification: Pathogenic for Niemann-Pick disease, type C1. Last evaluated: 2024-07-26. Review status: criteria provided, single submitter. Criteria: Myriad Autosomal Dominant, Autosomal Recessive and X-Linked Classification Criteria (2023). Collection method: clinical testing. Allele origin: unknown.
Comment: NM_000271.4(NPC1):c.493delG(A165Pfs*56) is expected to be pathogenic in the context of Niemann-Pick disease type C1. This variant is predicted to lead to an abnormal or absent protein product due to the creation of a premature termination codon in NPC1, a gene where loss-of-function variants are known to be pathogenic. Please note: this variant was assessed in the context of healthy population screening.